The following is an entry in ClinVar:

ClinVar aggregate classification (germline): Uncertain significance (1 of 4 stars; one submission).

Conditions:
ZMYND8-related disorder. Also called: ZMYND8-related condition.

Submission:

PreventionGenetics, part of Exact Sciences
Classification: Uncertain significance for ZMYND8-related condition. Last evaluated: 2023-06-14. Review status: criteria provided, single submitter. Criteria: ACMG Guidelines, 2015. Collection method: clinical testing. Allele origin: germline.
Comment: The ZMYND8 c.2812G>T variant is predicted to result in the amino acid substitution p.Ala938Ser. To our knowledge, this variant has not been reported in the literature or in a large population database, indicating this variant is rare. At this time, the clinical significance of this variant is uncertain due to the absence of conclusive functional and genetic evidence.

NM_001281775.3(ZMYND8):c.2791G>T (p.Ala931Ser)

Gene: ZMYND8 (zinc finger MYND-type containing 8; minus strand). Cytogenetic location: 20q13.12.
Variant type: single nucleotide variant.
Coding change: c.2791G>T on transcript NM_001281775.3 (MANE Select); coding-DNA position 2791, G replaced by T.
Protein change: p.Ala931Ser; replaces alanine 931 with serine.
Molecular consequence: missense variant.
Genome position (GRCh38, 1-based): chr20:47,236,391, C>A on the plus strand (G>T on the coding strand, the complement: ZMYND8 is on the minus strand). VCF-style: chr20-47236391-C-A. GRCh37 (hg19) VCF-style: chr20-45865135-C-A.
Other names: c.2335G>T, p.Ala779Ser (NM_001281771.3); c.2731G>T, p.Ala911Ser (NM_001281772.3, NM_001281773.3, NM_001363741.2); c.2593G>T, p.Ala865Ser (NM_001281774.3); c.2410G>T, p.Ala804Ser (NM_001281776.3); c.2578G>T, p.Ala860Ser (NM_001281777.3, NM_001281782.3, NM_183048.4); c.2716G>T, p.Ala906Ser (NM_001281778.3); c.1849G>T, p.Ala617Ser (NM_001281779.3, NM_001281780.3); c.2437G>T, p.Ala813Ser (NM_001281781.3); and 4 more; short protein forms A617S, A779S, A804S, A813S, A859S, A860S, A865S, A885S.
Identifiers: ClinVar variation 2632684 (VCV002632684.1), dbSNP rs757483496, ClinGen allele CA409278243.
Genomic context (GRCh38, chr20:47,236,391, plus strand): 5'-TAGTGTACTTGGCAATATCAGCGGCGACATCAGCTGAGGCAGTGGCGATGGGCAGGTCAG[C>A]GTTGACTGAGGACACAAGGGTGCTCATGGACCCCGAGCTGGTGACCAGGGGCGATGACTG-3'
Protein context (NP_001268704.1, residues 921-941): SMSTLVSSVN[Ala931Ser]DLPIATASAD